The following is an entry in ClinVar:

ClinVar aggregate classification (germline): Uncertain significance (1 of 4 stars; one submission).

Conditions:
Saldino-Mainzer syndrome (SRTD9). Also called: Renal dysplasia, retinal pigmentary dystrophy, cerebellar ataxia and skeletal dysplasia; CONORENAL SYNDROME; SHORT-RIB THORACIC DYSPLASIA 9 WITHOUT POLYDACTYLY; short-rib thoracic dysplasia 9 with or without polydactyly. Identifiers: Orphanet 140969, MedGen C1849437, MONDO:0009964, OMIM 266920.

Submission:

Labcorp Genetics (formerly Invitae), Labcorp
Classification: Uncertain significance for Saldino-Mainzer syndrome. Last evaluated: 2022-02-05. Review status: criteria provided, single submitter. Criteria: Invitae Variant Classification Sherloc (09022015). Collection method: clinical testing. Allele origin: germline.
Comment: This sequence change replaces glutamine, which is neutral and polar, with arginine, which is basic and polar, at codon 998 of the IFT140 protein (p.Gln998Arg). This variant is not present in population databases (gnomAD no frequency). This variant has not been reported in the literature in individuals affected with IFT140-related conditions. Algorithms developed to predict the effect of missense changes on protein structure and function (SIFT, PolyPhen-2, Align-GVGD) all suggest that this variant is likely to be tolerated. In summary, the available evidence is currently insufficient to determine the role of this variant in disease. Therefore, it has been classified as a Variant of Uncertain Significance.

NM_014714.4(IFT140):c.2993A>G (p.Gln998Arg)

Genes: IFT140 (intraflagellar transport 140; minus strand), LOC126862260 (CDK7 strongly-dependent group 2 enhancer GRCh37_chr16:1574508-1575707; plus strand). Cytogenetic location: 16p13.3.
Variant type: single nucleotide variant.
Coding change: c.2993A>G on transcript NM_014714.4 (MANE Select); coding-DNA position 2993, A replaced by G.
Protein change: p.Gln998Arg; replaces glutamine 998 with arginine.
Molecular consequence: missense variant.
Genome position (GRCh38, 1-based): chr16:1,524,788, T>C on the plus strand (A>G on the coding strand, the complement: IFT140 is on the minus strand). VCF-style: chr16-1524788-T-C. GRCh37 (hg19) VCF-style: chr16-1574789-T-C.
Other names: short protein forms Q998R.
Identifiers: ClinVar variation 1434365 (VCV001434365.8), dbSNP rs2141171936, ClinGen allele CA394226225.
Genomic context (GRCh38, chr16:1,524,788, plus strand): 5'-GGTGGCCTTGTGTCTGCCTCGTGTCCGCCTGGCCGGCTCCCCTGCGGGGACCTTACCTTC[T>C]GGACATTGCCCTGGAAGCAGTGGATGCGGACCAGGGAGAAGTGGTCCCGGGCCAGCTCGT-3'
Protein context (NP_055529.2, residues 988-1008): VRIHCFQGNV[Gln998Arg]KAAQIANETG